The following is an entry in ClinVar:

ClinVar aggregate classification (germline): Uncertain significance (1 of 4 stars; one submission).

Conditions:
Hypertrophic cardiomyopathy 26. Also called: Cardiomyopathy, familial hypertrophic, 26. Identifiers: Orphanet 75249, MedGen C4310749, MONDO:0014883, OMIM 617047.
Myofibrillar myopathy 5. Also called: Filaminopathy (type); FILAMINOPATHY, AUTOSOMAL DOMINANT. Identifiers: Orphanet 171445, MedGen C1836050, MONDO:0012289, OMIM 609524.
Distal myopathy with posterior leg and anterior hand involvement. Also called: WILLIAMS DISTAL MYOPATHY. Identifiers: Orphanet 63273, MedGen C3279722, MONDO:0013550, OMIM 614065.

Submission:

Labcorp Genetics (formerly Invitae), Labcorp
Classification: Uncertain significance for Distal myopathy with posterior leg and anterior hand involvement; Myofibrillar myopathy 5; Hypertrophic cardiomyopathy 26. Last evaluated: 2025-03-24. Review status: criteria provided, single submitter. Criteria: Invitae Variant Classification Sherloc (09022015). Collection method: clinical testing. Allele origin: germline.
Comment: This sequence change replaces valine, which is neutral and non-polar, with isoleucine, which is neutral and non-polar, at codon 466 of the FLNC protein (p.Val466Ile). This variant is not present in population databases (gnomAD no frequency). This variant has not been reported in the literature in individuals affected with FLNC-related conditions. Invitae Evidence Modeling of protein sequence and biophysical properties (such as structural, functional, and spatial information, amino acid conservation, physicochemical variation, residue mobility, and thermodynamic stability) has been performed for this missense variant. However, the output from this modeling did not meet the statistical confidence thresholds required to predict the impact of this variant on FLNC protein function. In summary, the available evidence is currently insufficient to determine the role of this variant in disease. Therefore, it has been classified as a Variant of Uncertain Significance.

NM_001458.5(FLNC):c.1396G>A (p.Val466Ile)

Gene: FLNC (filamin C; plus strand). Cytogenetic location: 7q32.1.
Variant type: single nucleotide variant.
Coding change: c.1396G>A on transcript NM_001458.5 (MANE Select); coding-DNA position 1396, G replaced by A.
Protein change: p.Val466Ile; replaces valine 466 with isoleucine.
Molecular consequence: missense variant.
Genome position (GRCh38, 1-based): chr7:128,838,788, G>A. VCF-style: chr7-128838788-G-A. GRCh37 (hg19) VCF-style: chr7-128478842-G-A.
Other names: c.1396G>A, p.Val466Ile (NM_001127487.2); short protein forms V466I.
Identifiers: ClinVar variation 4812742 (VCV004812742.1).